The following is an entry in ClinVar:

NM_000041.4(APOE):c.714G>C (p.Glu238Asp)

Gene: APOE (apolipoprotein E; plus strand). Cytogenetic location: 19q13.32.
Variant type: single nucleotide variant.
Coding change: c.714G>C on transcript NM_000041.4 (MANE Select); coding-DNA position 714, G replaced by C.
Protein change: p.Glu238Asp; replaces glutamic acid 238 with aspartic acid.
Molecular consequence: missense variant.
Genome position (GRCh38, 1-based): chr19:44,909,010, G>C. VCF-style: chr19-44909010-G-C. GRCh37 (hg19) VCF-style: chr19-45412267-G-C.
Other names: c.792G>C, p.Glu264Asp (NM_001302688.2); c.714G>C, p.Glu238Asp (NM_001302689.2, NM_001302690.2, NM_001302691.2); short protein forms E264D, E238D.
Identifiers: ClinVar variation 2586039 (VCV002586039.2), dbSNP rs892532644, ClinGen allele CA406304826.

ClinVar aggregate classification (germline): Uncertain significance (1 of 4 stars; one submission).

Conditions:
Cardiovascular phenotype. Identifiers: MedGen CN230736.

Submission:

Ambry Genetics
Classification: Uncertain significance for Cardiovascular phenotype. Last evaluated: 2023-07-29. Review status: criteria provided, single submitter. Criteria: Ambry Variant Classification Scheme 2023. Collection method: clinical testing. Allele origin: germline.
Comment: The p.E238D variant (also known as c.714G>C), located in coding exon 3 of the APOE gene, results from a G to C substitution at nucleotide position 714. The glutamic acid at codon 238 is replaced by aspartic acid, an amino acid with highly similar properties. This amino acid position is conserved. In addition, this alteration is predicted to be tolerated by in silico analysis. Since supporting evidence is limited at this time, the clinical significance of this alteration remains unclear.